The following is an entry in ClinVar:

NM_024577.4(SH3TC2):c.2864A>C (p.His955Pro)

Gene: SH3TC2 (SH3 domain and tetratricopeptide repeats 2; minus strand). Cytogenetic location: 5q32.
Variant type: single nucleotide variant.
Coding change: c.2864A>C on transcript NM_024577.4 (MANE Select); coding-DNA position 2864, A replaced by C.
Protein change: p.His955Pro; replaces histidine 955 with proline.
Molecular consequence: missense variant.
Genome position (GRCh38, 1-based): chr5:149,026,868, T>G on the plus strand (A>C on the coding strand, the complement: SH3TC2 is on the minus strand). VCF-style: chr5-149026868-T-G. GRCh37 (hg19) VCF-style: chr5-148406431-T-G.
Other names: short protein forms H955P.
Identifiers: ClinVar variation 959320 (VCV000959320.1), dbSNP rs1754073175, ClinGen allele CA361665466.
Genomic context (GRCh38, chr5:149,026,868, plus strand): 5'-CTTGATCCAACACTTTTCTCTATAGCTTCCCAGCAGCATGGGACATACTTACTCTTTAGA[T>G]GTCGATGCCTTAAGCCAAACAGCAATGCCATTTCATAACAAAGAAGGCCATGGGTCAGCT-3'
Protein context (NP_078853.2, residues 945-965): MALLFGLRHR[His955Pro]LKSQLQATKS

ClinVar aggregate classification (germline): Uncertain significance (1 of 4 stars; one submission).

Conditions:
Charcot-Marie-Tooth disease type 4. Also called: Charcot-Marie-Tooth disease, type IV; Charcot-Marie-Tooth, Type 4. Identifiers: Orphanet 64749, MedGen C4082197, MONDO:0018995.

Submission:

Labcorp Genetics (formerly Invitae), Labcorp
Classification: Uncertain significance for Charcot-Marie-Tooth disease type 4. Last evaluated: 2019-08-15. Review status: criteria provided, single submitter. Criteria: Invitae Variant Classification Sherloc (09022015). Collection method: clinical testing. Allele origin: germline.
Comment: This sequence change replaces histidine with proline at codon 955 of the SH3TC2 protein (p.His955Pro). The histidine residue is highly conserved and there is a moderate physicochemical difference between histidine and proline. This variant is not present in population databases (ExAC no frequency). This variant has not been reported in the literature in individuals with SH3TC2-related conditions. Algorithms developed to predict the effect of missense changes on protein structure and function are either unavailable or do not agree on the potential impact of this missense change (SIFT: "Deleterious"; PolyPhen-2: "Possibly Damaging"; Align-GVGD: "Class C0"). In summary, the available evidence is currently insufficient to determine the role of this variant in disease. Therefore, it has been classified as a Variant of Uncertain Significance.